The following is an entry in ClinVar:

NM_000632.4(ITGAM):c.249G>C (p.Glu83Asp)

Genes: ITGAM (integrin subunit alpha M; plus strand), LOC126862331 (P300/CBP strongly-dependent group 1 enhancer GRCh37_chr16:31276375-31277574; plus strand). Cytogenetic location: 16p11.2.
Variant type: single nucleotide variant.
Coding change: c.249G>C on transcript NM_000632.4 (MANE Select); coding-DNA position 249, G replaced by C.
Protein change: p.Glu83Asp; replaces glutamic acid 83 with aspartic acid.
Molecular consequence: missense variant.
Genome position (GRCh38, 1-based): chr16:31,265,821, G>C. VCF-style: chr16-31265821-G-C. GRCh37 (hg19) VCF-style: chr16-31277142-G-C.
Other names: c.249G>C, p.Glu83Asp (NM_001145808.2); short protein forms E83D.
Identifiers: ClinVar variation 4754629 (VCV004754629.1).

ClinVar aggregate classification (germline): Uncertain significance (1 of 4 stars; one submission).

gnomAD v4.1: 3 of 1,613,852 alleles (0.00019%); highest among the groups gnomAD compares: Non-Finnish European, 0.00017%; no homozygotes.

Submission:

Labcorp Genetics (formerly Invitae), Labcorp
Classification: Uncertain significance. Last evaluated: 2025-03-19. Review status: criteria provided, single submitter. Criteria: Invitae Variant Classification Sherloc (09022015). Collection method: clinical testing. Allele origin: germline.
Comment: This sequence change replaces glutamic acid, which is acidic and polar, with aspartic acid, which is acidic and polar, at codon 83 of the ITGAM protein (p.Glu83Asp). This variant is present in population databases (no rsID available, gnomAD no frequency). This variant has not been reported in the literature in individuals affected with ITGAM-related conditions. An algorithm developed to predict the effect of missense changes on protein structure and function outputs the following: PolyPhen-2: "Benign". The aspartic acid amino acid residue is found in multiple mammalian species, which suggests that this missense change does not adversely affect protein function. In summary, the available evidence is currently insufficient to determine the role of this variant in disease. Therefore, it has been classified as a Variant of Uncertain Significance.